The following is an entry in ClinVar:

NM_182931.3(KMT2E):c.3371C>G (p.Thr1124Ser)

Gene: KMT2E (lysine methyltransferase 2E (inactive); plus strand). Cytogenetic location: 7q22.3.
Variant type: single nucleotide variant.
Coding change: c.3371C>G on transcript NM_182931.3 (MANE Select); coding-DNA position 3371, C replaced by G.
Protein change: p.Thr1124Ser; replaces threonine 1124 with serine.
Molecular consequence: missense variant.
Genome position (GRCh38, 1-based): chr7:105,107,828, C>G. VCF-style: chr7-105107828-C-G. GRCh37 (hg19) VCF-style: chr7-104748275-C-G.
Other names: c.3371C>G, p.Thr1124Ser (NM_001410908.1, NM_018682.4); short protein forms T1124S.
Identifiers: ClinVar variation 4528298 (VCV004528298.1).

ClinVar aggregate classification (germline): Uncertain significance (1 of 4 stars; one submission).

Submission:

GeneDx
Classification: Uncertain significance. Last evaluated: 2025-04-21. Review status: criteria provided, single submitter. Criteria: GeneDx Variant Classification Process June 2021. Collection method: clinical testing. Allele origin: germline. Affected: yes.
Comment: Not observed at significant frequency in large population cohorts (gnomAD); In silico analysis indicates that this missense variant does not alter protein structure/function; Has not been previously published as pathogenic or benign to our knowledge; In silico analysis suggests this variant may impact gene splicing. In the absence of RNA/functional studies, the actual effect of this sequence change is unknown.